The following is an entry in ClinVar:

NM_013382.7(POMT2):c.1329_1332+5del

Gene: POMT2 (protein O-mannosyltransferase 2; minus strand). Cytogenetic location: 14q24.3.
Variant type: Deletion.
Coding change: c.1329_1332+5del on transcript NM_013382.7 (MANE Select); coding-DNA position 1329 through 5 bases into the intron after coding-DNA position 1332, 9 bases deleted (CATAGTAAG; older notation c.1329_1332+5delCATAGTAAG).
Molecular consequence: splice donor variant.
Genome position (GRCh38, 1-based): chr14:77,286,739-77,286,747, CTTACTATG deleted on the plus strand (CATAGTAAG on the coding strand, the reverse complement: POMT2 is on the minus strand); deleting any 9 consecutive bases within chr14:77,286,739-77,286,748 gives the same sequence; the c. name uses the placement nearest the transcript's 3' end. VCF-style (leftmost placement, unchanged base first): chr14-77286738-ACTTACTATG-A. GRCh37 (hg19) VCF-style: chr14-77753081-ACTTACTATG-A.
Identifiers: ClinVar variation 1066125 (VCV001066125.7), dbSNP rs1566648219, ClinGen allele CA615199670.

ClinVar aggregate classification (germline): Likely pathogenic (1 of 4 stars; one submission).

Conditions:
Muscular dystrophy-dystroglycanopathy (congenital with brain and eye anomalies), type A2. Also called: MUSCULAR DYSTROPHY-DYSTROGLYCANOPATHY (CONGENITAL WITH BRAIN AND EYE ANOMALIES), TYPE A, 2; WALKER-WARBURG SYNDROME OR MUSCLE-EYE-BRAIN DISEASE, POMT2-RELATED. Identifiers: Orphanet 588, Orphanet 899, MedGen C3150411, MONDO:0013154, OMIM 613150.
Autosomal recessive limb-girdle muscular dystrophy type 2N. Also called: MUSCULAR DYSTROPHY-DYSTROGLYCANOPATHY, LIMB-GIRDLE, POMT2-RELATED; Muscular dystrophy-dystroglycanopathy (limb-girdle), type C, 2. Identifiers: Orphanet 206559, MedGen C3150418, MONDO:0013162, OMIM 613158.
Muscular dystrophy-dystroglycanopathy (congenital with impaired intellectual development), type B, 2. Also called: Muscular dystrophy-dystroglycanopathy (congenital with intellectual disability), type B2; MUSCULAR DYSTROPHY, CONGENITAL, POMT2-RELATED. Identifiers: MedGen C3150416, MONDO:0013160, OMIM 613156.

Submission:

Labcorp Genetics (formerly Invitae), Labcorp
Classification: Likely pathogenic for Muscular dystrophy-dystroglycanopathy (congenital with impaired intellectual development), type B, 2; Muscular dystrophy-dystroglycanopathy (congenital with brain and eye anomalies), type A2; Autosomal recessive limb-girdle muscular dystrophy type 2N. Last evaluated: 2020-07-21. Review status: criteria provided, single submitter. Criteria: Invitae Variant Classification Sherloc (09022015). Collection method: clinical testing. Allele origin: germline.
Comment: Algorithms developed to predict the effect of sequence changes on RNA splicing suggest that this variant may disrupt the consensus splice site, but this prediction has not been confirmed by published transcriptional studies. Loss-of-function variants in POMT2 are known to be pathogenic (PMID: 15894594). In summary, the currently available evidence indicates that the variant is pathogenic, but additional data are needed to prove that conclusively. Therefore, this variant has been classified as Likely Pathogenic. This variant has not been reported in the literature in individuals with POMT2-related conditions. This variant results in the deletion of part of exon 12 (c.1329_1332+5del) of the POMT2 gene. It is expected to disrupt RNA splicing and likely results in an absent or disrupted protein product. This variant is not present in population databases (ExAC no frequency).

Literature cited by the submitters: PubMed 15894594.